The following is an entry in ClinVar:

NM_014244.5(ADAMTS2):c.215C>T (p.Ser72Phe)

Gene: ADAMTS2 (ADAM metallopeptidase with thrombospondin type 1 motif 2; minus strand). Cytogenetic location: 5q35.3.
Variant type: single nucleotide variant.
Coding change: c.215C>T on transcript NM_014244.5 (MANE Select); coding-DNA position 215, C replaced by T.
Protein change: p.Ser72Phe; replaces serine 72 with phenylalanine.
Molecular consequence: missense variant.
Genome position (GRCh38, 1-based): chr5:179,344,086, G>A on the plus strand (C>T on the coding strand, the complement: ADAMTS2 is on the minus strand). VCF-style: chr5-179344086-G-A. GRCh37 (hg19) VCF-style: chr5-178771087-G-A.
Other names: c.215C>T, p.Ser72Phe (NM_021599.4); c.215C>T (NM_014244.4); short protein forms S72F.
Identifiers: ClinVar variation 2129179 (VCV002129179.5), dbSNP rs2532190644, ClinGen allele CA362623288.

ClinVar aggregate classification (germline): Uncertain significance. Review status: criteria provided, single submitter (1 of 4 stars). 2 submissions from 2 submitters: Uncertain significance (1). 1 of the submissions does not count toward it. Last evaluated 2022-04-22.

Conditions:
Ehlers-Danlos syndrome, dermatosparaxis type. Also called: Dermatosparaxis; EDS VIIC; Ehlers-Danlos syndrome, type VII, autosomal recessive. Identifiers: Orphanet 1901, MedGen C2700425, MONDO:0009161, OMIM 225410.

Allele frequency attached by ClinVar (database versions not stated): gnomAD exomes below 0.00001.
gnomAD v4.1: 1 of 1,610,720 alleles (0.000062%); highest among the groups gnomAD compares: Non-Finnish European, 0.000085%; no homozygotes.

Submissions (2):

Labcorp Genetics (formerly Invitae), Labcorp
Classification: Uncertain significance for Ehlers-Danlos syndrome, dermatosparaxis type. Last evaluated: 2022-04-22. Review status: criteria provided, single submitter. Criteria: Invitae Variant Classification Sherloc (09022015). Collection method: clinical testing. Allele origin: germline.
Comment: In summary, the available evidence is currently insufficient to determine the role of this variant in disease. Therefore, it has been classified as a Variant of Uncertain Significance. Algorithms developed to predict the effect of missense changes on protein structure and function are either unavailable or do not agree on the potential impact of this missense change (SIFT: "Deleterious"; PolyPhen-2: "Probably Damaging"; Align-GVGD: "Class C15"). This variant has not been reported in the literature in individuals affected with ADAMTS2-related conditions. This variant is not present in population databases (gnomAD no frequency). This sequence change replaces serine, which is neutral and polar, with phenylalanine, which is neutral and non-polar, at codon 72 of the ADAMTS2 protein (p.Ser72Phe).

Natera, Inc.
Classification: Uncertain significance for Ehlers-Danlos syndrome type VIIC. Last evaluated: 2025-01-21. Review status: no assertion criteria provided. Collection method: clinical testing. Allele origin: germline. Not counted in ClinVar's aggregate classification.